The following is an entry in ClinVar:

NM_000088.3(COL1A1):c.700dup

Genes: COL1A1 (collagen type I alpha 1 chain; minus strand), LOC126862586 (CDK7 strongly-dependent group 2 enhancer GRCh37_chr17:48273702-48274901; plus strand). Cytogenetic location: 17q21.33.
Variant type: Duplication.
Coding change: c.700dup on transcript NM_000088.3; coding-DNA position 700, one base duplicated (G; older notation c.700dupG).
Genome position (GRCh38, 1-based): chr17:50,197,230, C duplicated on the plus strand (G on the coding strand, the reverse complement: COL1A1 is on the minus strand); the first of 5 consecutive C bases (chr17:50,197,230-50,197,234); duplicating any one gives the same sequence. VCF-style (leftmost placement, unchanged base first): chr17-50197229-T-TC. GRCh37 (hg19) VCF-style: chr17-48274590-T-TC.
Other names: c.700dupG (NM_000088.3).
Identifiers: ClinVar variation 1322113 (VCV001322113.9), dbSNP rs2144584155, ClinGen allele CA2573054488.
Genomic context (GRCh38, chr17:50,197,229, plus strand): 5'-CCCCTGCTCACCTGAGGCCCAGGAGGCCCACGCTCACCAGGACGACCAGGTTTTCCAGCT[T>TC]CCCCCTGAGAGGGAGAGAAAAGACCATCATGCCTCTGCCTCCCCACCACCGCCTAGGGGC-3'

ClinVar aggregate classification (germline): Pathogenic. Review status: criteria provided, multiple submitters, no conflicts (2 of 4 stars). 3 submissions from 3 submitters: Pathogenic (3). Last evaluated 2023-09-07.

Conditions:
Osteogenesis imperfecta type I (OI1). Also called: OI, TYPE I; OSTEOGENESIS IMPERFECTA TARDA; OSTEOGENESIS IMPERFECTA WITH BLUE SCLERAE; Osteogenesis imperfecta type 1; Classic Non-deforming Osteogenesis Imperfecta with Blue Sclerae; Lobstein's Disease. Identifiers: Orphanet 216796, Orphanet 666, MedGen C0023931, MONDO:0008146, OMIM 166200. Disease mechanism: loss of function.
Osteogenesis imperfecta (OI). Identifiers: Orphanet 666, MedGen C0029434, MeSH D010013, MONDO:0019019.

Submissions (3):

Women's Health and Genetics/Laboratory Corporation of America, LabCorp
Classification: Pathogenic for Osteogenesis imperfecta. Last evaluated: 2023-09-07. Review status: criteria provided, single submitter. Criteria: LabCorp Variant Classification Summary - May 2015. Collection method: clinical testing. Allele origin: germline.
Comment: Variant summary: COL1A1 c.700dupG (p.Glu234GlyfsX10) results in a premature termination codon, predicted to cause a truncation of the encoded protein or absence of the protein due to nonsense mediated decay, which are commonly known mechanisms for disease. Variants downstream of this position have been classified as pathogenic by our laboratory. The variant was absent in 251366 control chromosomes (gnomAD). c.700dupG has been reported in the literature in individuals affected with Osteogenesis Imperfecta (examples: Ben_2013, and Bardai_2016). The following publications have been ascertained in the context of this evaluation (PMID: 27509835, 23529829). One submitter has cited clinical-significance assessments for this variant to ClinVar after 2014 and has classified the variant as pathogenic. Based on the evidence outlined above, the variant was classified as pathogenic.

Labcorp Genetics (formerly Invitae), Labcorp
Classification: Pathogenic for Osteogenesis imperfecta type I. Last evaluated: 2023-08-21. Review status: criteria provided, single submitter. Criteria: Invitae Variant Classification Sherloc (09022015). Collection method: clinical testing. Allele origin: germline.
Comment: This variant is not present in population databases (gnomAD no frequency). This sequence change creates a premature translational stop signal (p.Glu234Glyfs*10) in the COL1A1 gene. It is expected to result in an absent or disrupted protein product. Loss-of-function variants in COL1A1 are known to be pathogenic (PMID: 7942841, 9295084, 9443882). This premature translational stop signal has been observed in individual(s) with clinical features of COL1A1-related conditions (PMID: 23529829). For these reasons, this variant has been classified as Pathogenic. ClinVar contains an entry for this variant (Variation ID: 1322113). This variant is also known as c.699insG.

Revvity Omics, Revvity
Classification: Pathogenic. Last evaluated: 2020-07-29. Review status: criteria provided, single submitter. Criteria: ACMG Guidelines, 2015. Collection method: clinical testing. Allele origin: germline.

Literature cited by the submitters: PubMed 27509835 (cited by Women's Health and Genetics/Laboratory Corporation of America, LabCorp); PubMed 23529829 (cited by Women's Health and Genetics/Laboratory Corporation of America, LabCorp and Labcorp Genetics (formerly Invitae), Labcorp); PubMed 7942841 (cited by Labcorp Genetics (formerly Invitae), Labcorp); PubMed 9295084 (cited by Labcorp Genetics (formerly Invitae), Labcorp); PubMed 9443882 (cited by Labcorp Genetics (formerly Invitae), Labcorp).